The following is an entry in ClinVar:

ClinVar aggregate classification (germline): Uncertain significance (1 of 4 stars; one submission).

gnomAD v4.1: 16 of 1,613,576 alleles (0.00099%); highest among the groups gnomAD compares: Admixed American, 0.0017%; no homozygotes.

Submission:

Labcorp Genetics (formerly Invitae), Labcorp
Classification: Uncertain significance. Last evaluated: 2024-10-22. Review status: criteria provided, single submitter. Criteria: Invitae Variant Classification Sherloc (09022015). Collection method: clinical testing. Allele origin: germline.
Comment: This sequence change replaces proline, which is neutral and non-polar, with threonine, which is neutral and polar, at codon 982 of the DUOX2 protein (p.Pro982Thr). This variant is present in population databases (no rsID available, gnomAD 0.003%). This variant has not been reported in the literature in individuals affected with DUOX2-related conditions. ClinVar contains an entry for this variant (Variation ID: 1369370). Invitae Evidence Modeling of protein sequence and biophysical properties (such as structural, functional, and spatial information, amino acid conservation, physicochemical variation, residue mobility, and thermodynamic stability) indicates that this missense variant is not expected to disrupt DUOX2 protein function with a negative predictive value of 95%. In summary, the available evidence is currently insufficient to determine the role of this variant in disease. Therefore, it has been classified as a Variant of Uncertain Significance.

NM_001363711.2(DUOX2):c.2944C>A (p.Pro982Thr)

Gene: DUOX2 (dual oxidase 2; minus strand). Cytogenetic location: 15q21.1.
Variant type: single nucleotide variant.
Coding change: c.2944C>A on transcript NM_001363711.2 (MANE Select); coding-DNA position 2944, C replaced by A.
Protein change: p.Pro982Thr; replaces proline 982 with threonine.
Molecular consequence: missense variant.
Genome position (GRCh38, 1-based): chr15:45,100,816, G>T on the plus strand (C>A on the coding strand, the complement: DUOX2 is on the minus strand). VCF-style: chr15-45100816-G-T. GRCh37 (hg19) VCF-style: chr15-45393014-G-T.
Other names: c.2944C>A, p.Pro982Thr (NM_014080.5); short protein forms P982T.
Identifiers: ClinVar variation 1369370 (VCV001369370.6), dbSNP rs61730030, ClinGen allele CA392264743.